The following is an entry in ClinVar:

NM_000548.5(TSC2):c.3815-2A>T

Gene: TSC2 (TSC complex subunit 2; plus strand). Cytogenetic location: 16p13.3.
Variant type: single nucleotide variant.
Coding change: c.3815-2A>T on transcript NM_000548.5 (MANE Select); the canonical splice acceptor site of the intron before coding-DNA position 3815, A replaced by T.
Molecular consequence: splice acceptor variant. On other transcripts: intron variant (33).
Genome position (GRCh38, 1-based): chr16:2,082,434, A>T. VCF-style: chr16-2082434-A-T. GRCh37 (hg19) VCF-style: chr16-2132435-A-T.
Other names: c.2341+636A>T (NM_001406693.1, NM_001406692.1, NM_001406694.1); c.3775+636A>T (NM_001406667.1); c.3772+636A>T (NM_001406668.1); c.3215-2A>T (NM_001406680.1); c.3214+636A>T (NM_001406683.1, NM_001406682.1); c.3082+636A>T (NM_001406687.1, NM_001406688.1); c.2470+636A>T (NM_001406689.1); c.2342-2A>T (NM_001406690.1); and 25 more.
Identifiers: ClinVar variation 569645 (VCV000569645.9), dbSNP rs1567513626, ClinGen allele CA394294731.

ClinVar aggregate classification (germline): Uncertain significance (1 of 4 stars; one submission).

Conditions:
Tuberous sclerosis 2 (TSC2). Identifiers: Orphanet 805, MedGen C1860707, MONDO:0013199, OMIM 613254.

Submission:

Labcorp Genetics (formerly Invitae), Labcorp
Classification: Uncertain significance for Tuberous sclerosis 2. Last evaluated: 2018-05-17. Review status: criteria provided, single submitter. Criteria: Invitae Variant Classification Sherloc (09022015). Collection method: clinical testing. Allele origin: germline.
Comment: In summary, the available evidence is currently insufficient to determine the role of this variant in disease. Therefore, it has been classified as a Variant of Uncertain Significance. This variant has not been reported in the literature in individuals with TSC2-related disease. This variant is not present in population databases (ExAC no frequency). This sequence change affects an acceptor splice site in intron 31 of the TSC2 gene. This variant may disrupt RNA splicing, however the extent to which this occurs is not known. Donor and acceptor splice site variants typically lead to a loss of protein function (PMID: 16199547), and loss-of-function variants in TSC2 are known to be pathogenic (PMID: 10205261, 17304050). However, exon 32 has been shown to undergo alternative splicing and results in transcripts lacking exon 32 in many adult human tissues (PMID: 7558029, 8519695).

Literature cited by the submitters: PubMed 16199547; PubMed 10205261; PubMed 17304050; PubMed 7558029; PubMed 8519695.